The following is an entry in ClinVar:

ClinVar aggregate classification (germline): Pathogenic (1 of 4 stars; one submission).

Allele frequency attached by ClinVar (database versions not stated): gnomAD exomes below 0.00001.
gnomAD v4.1: 2 of 1,613,982 alleles (0.00012%); highest among the groups gnomAD compares: Non-Finnish European, 0.00017%; no homozygotes.

Submission:

Labcorp Genetics (formerly Invitae), Labcorp
Classification: Pathogenic. Last evaluated: 2023-05-04. Review status: criteria provided, single submitter. Criteria: Invitae Variant Classification Sherloc (09022015). Collection method: clinical testing. Allele origin: germline.
Comment: ClinVar contains an entry for this variant (Variation ID: 1068461). For these reasons, this variant has been classified as Pathogenic. This variant has not been reported in the literature in individuals affected with HPS5-related conditions. This sequence change creates a premature translational stop signal (p.Gln611*) in the HPS5 gene. It is expected to result in an absent or disrupted protein product. Loss-of-function variants in HPS5 are known to be pathogenic (PMID: 12548288, 15296495, 21833017, 26785811). This variant is not present in population databases (gnomAD no frequency).

Literature cited by the submitters: PubMed 12548288; PubMed 15296495; PubMed 21833017; PubMed 26785811.

NM_181507.2(HPS5):c.1831C>T (p.Gln611Ter)

Gene: HPS5 (HPS5 biogenesis of lysosomal organelles complex 2 subunit 2; minus strand). Cytogenetic location: 11p15.1.
Variant type: single nucleotide variant.
Coding change: c.1831C>T on transcript NM_181507.2 (MANE Select); coding-DNA position 1831, C replaced by T.
Protein change: p.Gln611Ter; replaces glutamine 611 with a stop codon.
Molecular consequence: nonsense.
Genome position (GRCh38, 1-based): chr11:18,292,930, G>A on the plus strand (C>T on the coding strand, the complement: HPS5 is on the minus strand). VCF-style: chr11-18292930-G-A. GRCh37 (hg19) VCF-style: chr11-18314477-G-A.
Other names: c.1489C>T, p.Gln497Ter (NM_007216.4, NM_181508.2); short protein forms Q497*, Q611*.
Identifiers: ClinVar variation 1068461 (VCV001068461.7), dbSNP rs2134296579, ClinGen allele CA379491895.